The following is an entry in ClinVar:

ClinVar aggregate classification (germline): Uncertain significance (1 of 4 stars; one submission).

Conditions:
Inborn genetic diseases. Identifiers: MedGen C0950123, MeSH D030342.

Submission:

Ambry Genetics
Classification: Uncertain significance for Inborn genetic diseases. Last evaluated: 2026-07-02. Review status: criteria provided, single submitter. Criteria: Ambry Variant Classification Scheme 2023. Collection method: clinical testing. Allele origin: germline.
Comment: The p.E150K variant (also known as c.448G>A), located in coding exon 2 of the ATP7B gene, results from a G to A substitution at nucleotide position 448. The glutamic acid at codon 150 is replaced by lysine, an amino acid with similar properties. This amino acid position is conserved. In addition, the in silico prediction for this alteration is inconclusive. Based on the available evidence, the clinical significance of this variant remains unclear.

NM_000053.4(ATP7B):c.448G>A (p.Glu150Lys)

Gene: ATP7B (ATPase copper transporting beta; minus strand). Cytogenetic location: 13q14.3.
Variant type: single nucleotide variant.
Coding change: c.448G>A on transcript NM_000053.4 (MANE Select); coding-DNA position 448, G replaced by A.
Protein change: p.Glu150Lys; replaces glutamic acid 150 with lysine.
Molecular consequence: missense variant.
Genome position (GRCh38, 1-based): chr13:51,974,772, C>T on the plus strand (G>A on the coding strand, the complement: ATP7B is on the minus strand). VCF-style: chr13-51974772-C-T. GRCh37 (hg19) VCF-style: chr13-52548908-C-T.
Other names: c.448G>A, p.Glu150Lys (NM_001406513.1, NM_001406514.1, NM_001406515.1 and 30 more transcripts); c.352G>A, p.Glu118Lys (NM_001406517.1, NM_001406518.1, NM_001406536.1 and 4 more transcripts); short protein forms E118K, E150K.
Identifiers: ClinVar variation 5032382 (VCV005032382.1).